The following is an entry in ClinVar:

NM_032578.4(MYPN):c.3060G>A (p.Met1020Ile)

Genes: MYPN (myopalladin; plus strand), LOC132089829 (Neanderthal introgressed variant-containing enhancer experimental_16132; plus strand). Cytogenetic location: 10q21.3.
Variant type: single nucleotide variant.
Coding change: c.3060G>A on transcript NM_032578.4 (MANE Select); coding-DNA position 3060, G replaced by A.
Protein change: p.Met1020Ile; replaces methionine 1020 with isoleucine.
Molecular consequence: missense variant. On other transcripts: non-coding transcript variant (2).
Genome position (GRCh38, 1-based): chr10:68,194,497, G>A. VCF-style: chr10-68194497-G-A. GRCh37 (hg19) VCF-style: chr10-69954254-G-A.
Other names: p.Met1020Ile; c.3060G>A, p.Met1020Ile (NM_001256267.2); c.2178G>A, p.Met726Ile (NM_001256268.2); short protein forms M1020I, M726I.
Identifiers: ClinVar variation 648113 (VCV000648113.12), dbSNP rs762642659, ClinGen allele CA5522927.
Genomic context (GRCh38, chr10:68,194,497, plus strand): 5'-GACATGCTCTCTGCACATTGAATCCACTACCAGTGATGACGATGGCAACTACACCATCAT[G>A]GCAGCCAACCCCCAGGTGGAGACGCAGGGTTCTGCGCTGTGCTGCACTCTGAGGAAGGAG-3'
Protein context (NP_115967.2, residues 1010-1030): TSDDDGNYTI[Met1020Ile]AANPQGRISC

ClinVar aggregate classification (germline): Uncertain significance. Review status: criteria provided, multiple submitters, no conflicts (2 of 4 stars). 4 submissions from 4 submitters: Uncertain significance (4). Last evaluated 2024-11-13.

Conditions:
Cardiovascular phenotype. Identifiers: MedGen CN230736.
Dilated cardiomyopathy 1KK (CMD1KK). Identifiers: Orphanet 154, Orphanet 75249, MedGen C3714995, MONDO:0014100, OMIM 615248.

Allele frequency attached by ClinVar (database versions not stated): gnomAD 0.00001; gnomAD exomes 0.00001; TOPMed 0.00001; ExAC 0.00002.

Submissions (4):

Ambry Genetics
Classification: Uncertain significance for Cardiovascular phenotype. Last evaluated: 2024-11-13. Review status: criteria provided, single submitter. Criteria: Ambry Variant Classification Scheme 2023. Collection method: clinical testing. Allele origin: germline.
Comment: The p.M1020I variant (also known as c.3060G>A), located in coding exon 13 of the MYPN gene, results from a G to A substitution at nucleotide position 3060. The methionine at codon 1020 is replaced by isoleucine, an amino acid with highly similar properties. This amino acid position is conserved. In addition, this alteration is predicted to be deleterious by in silico analysis. Since supporting evidence is limited at this time, the clinical significance of this alteration remains unclear.

Blueprint Genetics
Classification: Uncertain significance. Last evaluated: 2024-09-10. Review status: criteria provided, single submitter. Criteria: ACMG Guidelines, 2015. Collection method: clinical testing. Allele origin: germline.

Labcorp Genetics (formerly Invitae), Labcorp
Classification: Uncertain significance for Dilated cardiomyopathy 1KK. Last evaluated: 2023-12-06. Review status: criteria provided, single submitter. Criteria: Invitae Variant Classification Sherloc (09022015). Collection method: clinical testing. Allele origin: germline.
Comment: This sequence change replaces methionine, which is neutral and non-polar, with isoleucine, which is neutral and non-polar, at codon 1020 of the MYPN protein (p.Met1020Ile). This variant is present in population databases (rs762642659, gnomAD 0.003%). This variant has not been reported in the literature in individuals affected with MYPN-related conditions. ClinVar contains an entry for this variant (Variation ID: 648113). An algorithm developed to predict the effect of missense changes on protein structure and function (PolyPhen-2) suggests that this variant is likely to be disruptive. In summary, the available evidence is currently insufficient to determine the role of this variant in disease. Therefore, it has been classified as a Variant of Uncertain Significance.

Mayo Clinic Laboratories, Mayo Clinic
Classification: Uncertain significance. Last evaluated: 2021-11-19. Review status: criteria provided, single submitter. Criteria: ACMG Guidelines, 2015. Collection method: clinical testing. Allele origin: germline.